The following is an entry in ClinVar:

ClinVar aggregate classification (germline): Uncertain significance. Review status: criteria provided, multiple submitters, no conflicts (2 of 4 stars). 3 submissions from 3 submitters: Uncertain significance (3). Last evaluated 2025-11-09.

Allele frequency attached by ClinVar (database versions not stated): TOPMed below 0.00001; gnomAD 0.00001; ExAC 0.00002; gnomAD exomes 0.00002.
gnomAD v4.1: 36 of 1,614,090 alleles (0.0022%); highest among the groups gnomAD compares: East Asian, 0.0067%; no homozygotes.

Submissions (3):

Labcorp Genetics (formerly Invitae), Labcorp
Classification: Uncertain significance. Last evaluated: 2025-11-09. Review status: criteria provided, single submitter. Criteria: Invitae Variant Classification Sherloc (09022015). Collection method: clinical testing. Allele origin: germline.
Comment: This sequence change replaces arginine, which is basic and polar, with glutamine, which is neutral and polar, at codon 1039 of the DUOX2 protein (p.Arg1039Gln). This variant is present in population databases (rs772992566, gnomAD 0.006%). This missense change has been observed in individual(s) with hypothyroidism (PMID: 27166716, 33631011). ClinVar contains an entry for this variant (Variation ID: 631733). Invitae Evidence Modeling of protein sequence and biophysical properties (such as structural, functional, and spatial information, amino acid conservation, physicochemical variation, residue mobility, and thermodynamic stability) indicates that this missense variant is not expected to disrupt DUOX2 protein function with a negative predictive value of 80%. In summary, the available evidence is currently insufficient to determine the role of this variant in disease. Therefore, it has been classified as a Variant of Uncertain Significance.

Women's Health and Genetics/Laboratory Corporation of America, LabCorp
Classification: Uncertain significance. Last evaluated: 2023-05-19. Review status: criteria provided, single submitter. Criteria: LabCorp Variant Classification Summary - May 2015. Collection method: clinical testing. Allele origin: germline.
Comment: Variant summary: DUOX2 c.3116G>A (p.Arg1039Gln) results in a conservative amino acid change in the encoded protein sequence. Three of five in-silico tools predict a damaging effect of the variant on protein function. The variant allele was found at a frequency of 1.6e-05 in 251362 control chromosomes. The available data on variant occurrences in the general population are insufficient to allow any conclusion about variant significance. c.3116G>A has been reported in the literature in individuals affected with Hypothyroidism (Matsuo_2016, Wang_2021). These reports do not provide unequivocal conclusions about association of the variant with Thyroid Dyshormonogenesis 6. To our knowledge, no experimental evidence demonstrating an impact on protein function has been reported. The following publications have been ascertained in the context of this evaluation (PMID: 27166716, 33631011). Two clinical diagnostic laboratories have submitted clinical-significance assessments for this variant to ClinVar after 2014 and classified the variant as uncertain significance. Based on the evidence outlined above, the variant was classified as uncertain significance.

Blueprint Genetics
Classification: Uncertain significance. Last evaluated: 2023-04-21. Review status: criteria provided, single submitter. Criteria: ACMG Guidelines, 2015. Collection method: clinical testing. Allele origin: germline.

Literature cited by the submitters: PubMed 27166716 (cited by Labcorp Genetics (formerly Invitae), Labcorp and Women's Health and Genetics/Laboratory Corporation of America, LabCorp); PubMed 33631011 (cited by Labcorp Genetics (formerly Invitae), Labcorp and Women's Health and Genetics/Laboratory Corporation of America, LabCorp).

NM_001363711.2(DUOX2):c.3116G>A (p.Arg1039Gln)

Gene: DUOX2 (dual oxidase 2; minus strand). Cytogenetic location: 15q21.1.
Variant type: single nucleotide variant.
Coding change: c.3116G>A on transcript NM_001363711.2 (MANE Select); coding-DNA position 3116, G replaced by A.
Protein change: p.Arg1039Gln; replaces arginine 1039 with glutamine.
Molecular consequence: missense variant.
Genome position (GRCh38, 1-based): chr15:45,100,118, C>T on the plus strand (G>A on the coding strand, the complement: DUOX2 is on the minus strand). VCF-style: chr15-45100118-C-T. GRCh37 (hg19) VCF-style: chr15-45392316-C-T.
Other names: c.3116G>A, p.Arg1039Gln (NM_014080.5); short protein forms R1039Q.
Identifiers: ClinVar variation 631733 (VCV000631733.9), dbSNP rs772992566, ClinGen allele CA7538007.